The following is an entry in ClinVar:

NM_000218.3(KCNQ1):c.776G>T (p.Arg259Leu)

Gene: KCNQ1 (potassium voltage-gated channel subfamily Q member 1; plus strand). Cytogenetic location: 11p15.5.
Variant type: single nucleotide variant.
Coding change: c.776G>T on transcript NM_000218.3 (MANE Select); coding-DNA position 776, G replaced by T.
Protein change: p.Arg259Leu; replaces arginine 259 with leucine.
Molecular consequence: missense variant.
Genome position (GRCh38, 1-based): chr11:2,572,105, G>T. VCF-style: chr11-2572105-G-T. GRCh37 (hg19) VCF-style: chr11-2593335-G-T.
Other names: p.R259L:CGC>CTC; c.776G>T (LRG_287t1); c.776G>T, p.Arg259Leu (NM_001406836.1); c.506G>T, p.Arg169Leu (NM_001406837.1); c.395G>T, p.Arg132Leu (NM_181798.2); short protein forms R259L, R132L, R169L.
Identifiers: ClinVar variation 53102 (VCV000053102.14), dbSNP rs199472720, ClinGen allele CA008191.

ClinVar aggregate classification (germline): Pathogenic/Likely pathogenic. Review status: criteria provided, multiple submitters, no conflicts (2 of 4 stars). 4 submissions from 4 submitters: Pathogenic (2); Likely pathogenic (1). 1 of the submissions does not count toward it. Last evaluated 2025-12-22.

Conditions:
Cardiovascular phenotype. Identifiers: MedGen CN230736.
Familial long QT syndrome (RWS). Also called: Congenital long QT syndrome; Romano-Ward syndrome; VENTRICULAR FIBRILLATION WITH PROLONGED QT INTERVAL. Identifiers: Orphanet 768, MedGen C1141890, MONDO:0019171.
Long QT syndrome (LQTS). Identifiers: MedGen C0023976, MeSH D008133, MONDO:0002442. Disease mechanism: loss of function. Inheritance: Various modes of inheritance.

Submissions (4):

Labcorp Genetics (formerly Invitae), Labcorp
Classification: Pathogenic for Long QT syndrome. Last evaluated: 2025-12-22. Review status: criteria provided, single submitter. Criteria: Invitae Variant Classification Sherloc (09022015). Collection method: clinical testing. Allele origin: germline.
Comment: This sequence change replaces arginine, which is basic and polar, with leucine, which is neutral and non-polar, at codon 259 of the KCNQ1 protein (p.Arg259Leu). This variant is not present in population databases (gnomAD no frequency). This missense change has been observed in individuals with long QT syndrome (PMID: 15466642, 19490272, 19841300, 23392653, 26675252). ClinVar contains an entry for this variant (Variation ID: 53102). Invitae Evidence Modeling of protein sequence and biophysical properties (such as structural, functional, and spatial information, amino acid conservation, physicochemical variation, residue mobility, and thermodynamic stability) indicates that this missense variant is expected to disrupt KCNQ1 protein function with a positive predictive value of 95%. This variant disrupts the p.Arg259 amino acid residue in KCNQ1. Other variant(s) that disrupt this residue have been determined to be pathogenic (PMID: 11021476, 16922724, 21350584, 23158531, 24291113, 26346102). This suggests that this residue is clinically significant, and that variants that disrupt this residue are likely to be disease-causing. For these reasons, this variant has been classified as Pathogenic.

Ambry Genetics
Classification: Likely pathogenic for Cardiovascular phenotype. Last evaluated: 2022-11-30. Review status: criteria provided, single submitter. Criteria: Ambry Variant Classification Scheme 2023. Collection method: clinical testing. Allele origin: germline.
Comment: The p.R259L variant (also known as c.776G>T), located in coding exon 5 of the KCNQ1 gene, results from a G to T substitution at nucleotide position 776. The arginine at codon 259 is replaced by leucine, an amino acid with dissimilar properties. This variant has been previously reported in a case indicated as having clinically "definite" long QT syndrome (LQTS), and has also been reported in multiple unrelated individuals referred for long QT syndrome (LQTS) genetic testing, although in some cases clinical details were limited and some reports may overlap (Choi G et al. Circulation. 2004;110(15):2119-24; Tester DJ et al. Heart Rhythm. 2005;2(5):507-17; Berge KE et al. Scand J Clin Lab Invest. 2008;68(5):362-8; Jons C et al. J Cardiovasc Electrophysiol. 2009;20(8):859-65; Kapa S et al. Circulation. 2009;120(18):1752-60). This variant was also reported in an individual with LQTS who carried a second KCNQ1 alteration (Giudicessi JR et al. Circ Cardiovasc Genet. 2013;6(2):193-200). This variant co-occurred in trans with a second KCNQ1 alteration in an individual with Jervell and Lange-Nielsen syndrome (Torrado M et al. NPJ Genom Med. 2021 Mar;6(1):21). In addition, another alteration affecting this amino acid (p.R259H, c.776G>A) has also been reported in association with LQTS (Millat G et al. Clin Genet. 2006;70(3):214-27). This variant is considered to be rare based on population cohorts in the Genome Aggregation Database (gnomAD). This amino acid position is highly conserved in available vertebrate species. In addition, this alteration is predicted to be deleterious by in silico analysis. Based on the majority of available evidence to date, this variant is likely to be pathogenic.

GeneDx
Classification: Pathogenic. Last evaluated: 2022-09-08. Review status: criteria provided, single submitter. Criteria: GeneDx Variant Classification Process June 2021. Collection method: clinical testing. Allele origin: germline. Affected: yes.
Comment: Not observed at significant frequency in large population cohorts (gnomAD); In silico analysis supports that this missense variant has a deleterious effect on protein structure/function; This variant is associated with the following publications: (PMID: 22949429, 23392653, 31737537, 22456477, 21185501, 25525159, 28483220, 19490272, 25929701, 15466642, 18752142, 19841300, 15840476, 19716085, 26675252)

Cardiovascular Biomedical Research Unit, Royal Brompton & Harefield NHS Foundation Trust
No classification provided. Condition: Familial long QT syndrome. Review status: no classification provided. Collection method: literature only. Allele origin: germline. Not counted in ClinVar's aggregate classification.
Comment: This variant has been reported as associated with Long QT syndrome in the following publications (PMID:15466642;PMID:15840476;PMID:18752142;PMID:19716085;PMID:19841300). This is a literature report, and does not necessarily reflect the clinical interpretation of the Imperial College / Royal Brompton Cardiovascular Genetics laboratory.

Literature cited by the submitters: PubMed 15466642 (cited by 3 submitters); PubMed 19490272 (cited by Labcorp Genetics (formerly Invitae), Labcorp and Ambry Genetics); PubMed 19841300 (cited by 3 submitters); PubMed 23392653 (cited by Labcorp Genetics (formerly Invitae), Labcorp and Ambry Genetics); PubMed 26675252 (cited by Labcorp Genetics (formerly Invitae), Labcorp); PubMed 11021476 (cited by Labcorp Genetics (formerly Invitae), Labcorp); PubMed 16922724 (cited by Labcorp Genetics (formerly Invitae), Labcorp and Ambry Genetics); PubMed 21350584 (cited by Labcorp Genetics (formerly Invitae), Labcorp); PubMed 23158531 (cited by Labcorp Genetics (formerly Invitae), Labcorp); PubMed 24291113 (cited by Labcorp Genetics (formerly Invitae), Labcorp); PubMed 26346102 (cited by Labcorp Genetics (formerly Invitae), Labcorp); PubMed 15840476 (cited by Ambry Genetics and Cardiovascular Biomedical Research Unit, Royal Brompton & Harefield NHS Foundation Trust); PubMed 18752142 (cited by Ambry Genetics and Cardiovascular Biomedical Research Unit, Royal Brompton & Harefield NHS Foundation Trust); PubMed 19716085 (cited by Ambry Genetics and Cardiovascular Biomedical Research Unit, Royal Brompton & Harefield NHS Foundation Trust); PubMed 20403459 (cited by Ambry Genetics); PubMed 22949429 (cited by Ambry Genetics); PubMed 31737537 (cited by Ambry Genetics); PubMed 33664273 (cited by Ambry Genetics); PubMed 22581653 (cited by Cardiovascular Biomedical Research Unit, Royal Brompton & Harefield NHS Foundation Trust).